The following is an entry in ClinVar:

NM_018062.4(FANCL):c.430del (p.Ser144fs)

Gene: FANCL (FA complementation group L; minus strand). Cytogenetic location: 2p16.1.
Variant type: Deletion.
Coding change: c.430del on transcript NM_018062.4 (MANE Select); coding-DNA position 430, one base deleted (T; older notation c.430delT).
Protein change: p.Ser144fs; shifts the reading frame from serine 144.
Molecular consequence: frameshift variant.
Genome position (GRCh38, 1-based): chr2:58,204,171, A deleted on the plus strand (T on the coding strand, the reverse complement: FANCL is on the minus strand); the first of 2 consecutive A bases (chr2:58,204,171-58,204,172); deleting either gives the same sequence. VCF-style (leftmost placement, unchanged base first): chr2-58204170-GA-G. GRCh37 (hg19) VCF-style: chr2-58431305-GA-G.
Other names: c.430delT (NM_018062.3); c.429delT, p.Ser144Leufs (NM_001114636.2, NM_018062.3); c.430del, p.Ser144fs (NM_001374615.1, NM_001410792.1); short protein forms S144fs.
Identifiers: ClinVar variation 209077 (VCV000209077.16), dbSNP rs869320685, ClinGen allele CA358851.

ClinVar aggregate classification (germline): Pathogenic/Likely pathogenic. Review status: criteria provided, multiple submitters, no conflicts (2 of 4 stars). 8 submissions from 8 submitters: Pathogenic (3); Likely pathogenic (1). 4 of the submissions do not count toward it. Last evaluated 2025-11-19.

Conditions:
VACTERL association, X-linked, with or without hydrocephalus (VACTERLX). Also called: VACTERL Association with Hydrocephalus, X-linked; X-linked VACTERL-H syndrome; VACTERL ASSOCIATION, X-LINKED; VACTERL-H, X-LINKED. Identifiers: Orphanet 3412, MedGen C2931228, MONDO:0010752, OMIM 314390.
Fanconi anemia complementation group L (FANCL). Also called: FANCL-Related Fanconi Anemia. Identifiers: Orphanet 84, MedGen C3469528, MONDO:0013566, OMIM 614083.
Fanconi anemia (FA). Also called: Fanconi's anemia. Identifiers: Orphanet 84, MedGen C0015625, MeSH D005199, MONDO:0019391.

Submissions (8):

Labcorp Genetics (formerly Invitae), Labcorp
Classification: Pathogenic for Fanconi anemia. Last evaluated: 2025-11-19. Review status: criteria provided, single submitter. Criteria: Invitae Variant Classification Sherloc (09022015). Collection method: clinical testing. Allele origin: germline.
Comment: This sequence change creates a premature translational stop signal (p.Ser144Leufs*6) in the FANCL gene. It is expected to result in an absent or disrupted protein product. Loss-of-function variants in FANCL are known to be pathogenic (PMID: 19405097, 23613520). This variant is present in population databases (no rsID available, gnomAD 0.003%). This premature translational stop signal has been observed in individual(s) with bladder cancer and/or clinical features of Fanconi anemia (PMID: 25754594, 29625052). ClinVar contains an entry for this variant (Variation ID: 209077). For these reasons, this variant has been classified as Pathogenic.

Baylor Genetics
Classification: Pathogenic for Fanconi anemia complementation group L. Last evaluated: 2024-03-16. Review status: criteria provided, single submitter. Criteria: ACMG Guidelines, 2015. Collection method: clinical testing. Allele origin: unknown.

Fulgent Genetics
Classification: Pathogenic for Fanconi anemia complementation group L. Last evaluated: 2024-02-07. Review status: criteria provided, single submitter. Criteria: ACMG Guidelines, 2015. Collection method: clinical testing. Allele origin: germline.

Women's Health and Genetics/Laboratory Corporation of America, LabCorp
Classification: Likely pathogenic for Fanconi anemia. Last evaluated: 2022-09-04. Review status: criteria provided, single submitter. Criteria: LabCorp Variant Classification Summary - May 2015. Collection method: clinical testing. Allele origin: germline.
Comment: Variant summary: FANCL c.430delT (p.Ser144LeufsX6) results in a premature termination codon, predicted to cause a truncation of the encoded protein or absence of the protein due to nonsense mediated decay, which are commonly known mechanisms for disease. Truncations downstream of this position have been classified as pathogenic within ClinVar (e.g. c.739_740dup [p.Met247fs]). The variant allele was found at a frequency of 1.2e-05 in 251276 control chromosomes (gnomAD). c.430delT has been reported in the literature in at least one homozygous individual affected with Fanconi Anemia (Vetro_2015). These data indicate that the variant may be associated with disease. To our knowledge, no experimental evidence demonstrating an impact on protein function has been reported. Three ClinVar submitters have assessed the variant since 2014: all three classified the variant as pathogenic. Based on the evidence outlined above, the variant was classified as likely pathogenic.

OMIM
Classification: Pathogenic for FANCONI ANEMIA, COMPLEMENTATION GROUP L. Last evaluated: 2015-05-01. Review status: no assertion criteria provided. Collection method: literature only. Allele origin: germline. Not counted in ClinVar's aggregate classification.

Leiden Open Variation Database
Classification: Pathogenic for VACTERL association, X-linked, with or without hydrocephalus. Last evaluated: 2015-02-20. Review status: no assertion criteria provided. Collection method: curation. Allele origin: germline. Affected: yes. Not counted in ClinVar's aggregate classification.
Comment: Curator: Arleen D. Auerbach. Submitter to LOVD: Annalisa Vetro.

Clinical Genetics DNA and cytogenetics Diagnostics Lab, Erasmus MC, Erasmus Medical Center
Classification: Pathogenic. Review status: no assertion criteria provided. Collection method: clinical testing. Allele origin: germline. Affected: yes. Study: VKGL Data-share Consensus. Not counted in ClinVar's aggregate classification.

Diagnostic Laboratory, Department of Genetics, University Medical Center Groningen
Classification: Pathogenic. Review status: no assertion criteria provided. Collection method: clinical testing. Allele origin: germline. Affected: yes. Study: VKGL Data-share Consensus. Not counted in ClinVar's aggregate classification.

Literature cited by the submitters: PubMed 19405097 (cited by Labcorp Genetics (formerly Invitae), Labcorp); PubMed 23613520 (cited by Labcorp Genetics (formerly Invitae), Labcorp); PubMed 25754594 (cited by 3 submitters); PubMed 29625052 (cited by Labcorp Genetics (formerly Invitae), Labcorp).